The following is an entry in ClinVar:

NM_002485.5(NBN):c.431C>G (p.Thr144Arg)

Gene: NBN (nibrin; minus strand). Cytogenetic location: 8q21.3.
Variant type: single nucleotide variant.
Coding change: c.431C>G on transcript NM_002485.5 (MANE Select); coding-DNA position 431, C replaced by G.
Protein change: p.Thr144Arg; replaces threonine 144 with arginine.
Molecular consequence: missense variant.
Genome position (GRCh38, 1-based): chr8:89,980,783, G>C on the plus strand (C>G on the coding strand, the complement: NBN is on the minus strand). VCF-style: chr8-89980783-G-C. GRCh37 (hg19) VCF-style: chr8-90993011-G-C.
Other names: c.185C>G, p.Thr62Arg (NM_001024688.3); short protein forms T144R, T62R.
Identifiers: ClinVar variation 631401 (VCV000631401.17), dbSNP rs1554567906, ClinGen allele CA371661707.

ClinVar aggregate classification (germline): Uncertain significance. Review status: criteria provided, multiple submitters, no conflicts (2 of 4 stars). 3 submissions from 3 submitters: Uncertain significance (3). Last evaluated 2025-06-08.

Conditions:
Microcephaly, normal intelligence and immunodeficiency (NBS). Also called: Immunodeficiency, microcephaly with normal intelligence; SEEMANOVA SYNDROME II; Nijmegen breakage syndrome; Microcephaly with normal intelligence immunodeficiency and lymphoreticular malignancies; Nonsyndromal microcephaly autosomal recessive with normal intelligence; Seemanova syndrome 2. Identifiers: Orphanet 647, MedGen C0398791, MONDO:0009623, OMIM 251260.
Hereditary cancer-predisposing syndrome. Also called: Hereditary Cancer Syndrome; Neoplastic Syndromes, Hereditary; Tumor predisposition; Hereditary neoplastic syndrome. Identifiers: Orphanet 140162, MedGen C0027672, MeSH D009386, MONDO:0015356.

Submissions (3):

Ambry Genetics
Classification: Uncertain significance for Hereditary cancer-predisposing syndrome. Last evaluated: 2025-06-08. Review status: criteria provided, single submitter. Criteria: Ambry Variant Classification Scheme 2023. Collection method: clinical testing. Allele origin: germline.
Comment: The p.T144R variant (also known as c.431C>G), located in coding exon 4 of the NBN gene, results from a C to G substitution at nucleotide position 431. The threonine at codon 144 is replaced by arginine, an amino acid with similar properties. This amino acid position is well conserved in available vertebrate species. In addition, this alteration is predicted to be deleterious by in silico analysis. Since supporting evidence is limited at this time, the clinical significance of this alteration remains unclear.

Genome-Nilou Lab
Classification: Uncertain significance for Microcephaly, normal intelligence and immunodeficiency. Last evaluated: 2021-11-07. Review status: criteria provided, single submitter. Criteria: ACMG Guidelines, 2015. Collection method: clinical testing. Allele origin: germline. Affected: no.

Labcorp Genetics (formerly Invitae), Labcorp
Classification: Uncertain significance for Microcephaly, normal intelligence and immunodeficiency. Last evaluated: 2018-09-29. Review status: criteria provided, single submitter. Criteria: Invitae Variant Classification Sherloc (09022015). Collection method: clinical testing. Allele origin: germline.
Comment: This sequence change replaces threonine with arginine at codon 144 of the NBN protein (p.Thr144Arg). The threonine residue is highly conserved and there is a moderate physicochemical difference between threonine and arginine. This variant is not present in population databases (ExAC no frequency). This variant has not been reported in the literature in individuals with NBN-related disease. Algorithms developed to predict the effect of missense changes on protein structure and function are either unavailable or do not agree on the potential impact of this missense change (SIFT: "Deleterious"; PolyPhen-2: "Benign"; Align-GVGD: "Class C0"). In summary, the available evidence is currently insufficient to determine the role of this variant in disease. Therefore, it has been classified as a Variant of Uncertain Significance.